The following is an entry in ClinVar:

NM_000059.4(BRCA2):c.5400C>A (p.Tyr1800Ter)

Gene: BRCA2 (BRCA2 DNA repair associated; plus strand). Cytogenetic location: 13q13.1.
Variant type: single nucleotide variant.
Coding change: c.5400C>A on transcript NM_000059.4 (MANE Select); coding-DNA position 5400, C replaced by A.
Protein change: p.Tyr1800Ter; replaces tyrosine 1800 with a stop codon.
Molecular consequence: nonsense. On other transcripts: non-coding transcript variant (1), intron variant (2).
Genome position (GRCh38, 1-based): chr13:32,339,755, C>A. VCF-style: chr13-32339755-C-A. GRCh37 (hg19) VCF-style: chr13-32913892-C-A.
Other names: c.5400C>A, p.Tyr1800Ter (NM_001406719.1, NM_001406720.1); c.1910-4803C>A (NM_001406721.1); c.425-4803C>A (NM_001406722.1); short protein forms Y1800*.
Identifiers: ClinVar variation 2692237 (VCV002692237.3), dbSNP rs780919805, ClinGen allele CA387785315.

ClinVar aggregate classification (germline): Pathogenic. Review status: criteria provided, multiple submitters, no conflicts (2 of 4 stars). 3 submissions from 3 submitters: Pathogenic (2). 1 of the submissions does not count toward it. Last evaluated 2025-12-16.

Conditions:
Breast-ovarian cancer, familial, susceptibility to, 2 (BROVCA2). Also called: BRCA2 Hereditary Breast and Ovarian Cancer. Identifiers: Orphanet 145, MedGen C2675520, MONDO:0012933, OMIM 612555. Disease mechanism: loss of function.
Hereditary breast ovarian cancer syndrome. Also called: Breast and ovarian cancer; Hereditary breast and ovarian cancer; Hereditary breast and ovarian cancer syndrome; Hereditary breast and ovarian cancer syndrome (HBOC); Hereditary breast and/or ovarian cancer syndrome; BRCA1- and BRCA2-Associated Hereditary Breast and Ovarian Cancer. Identifiers: Orphanet 145, MedGen C0677776, MeSH D061325, MONDO:0003582. Disease mechanism: loss of function.

Submissions (3):

Labcorp Genetics (formerly Invitae), Labcorp
Classification: Pathogenic for Hereditary breast ovarian cancer syndrome. Last evaluated: 2025-12-16. Review status: criteria provided, single submitter. Criteria: Invitae Variant Classification Sherloc (09022015). Collection method: clinical testing. Allele origin: germline.
Comment: This sequence change creates a premature translational stop signal (p.Tyr1800*) in the BRCA2 gene. It is expected to result in an absent or disrupted protein product. Loss-of-function variants in BRCA2 are known to be pathogenic (PMID: 20104584). This variant is not present in population databases (gnomAD no frequency). This variant has not been reported in the literature in individuals affected with BRCA2-related conditions. ClinVar contains an entry for this variant (Variation ID: 2692237). For these reasons, this variant has been classified as Pathogenic.

Myriad Genetics, Inc.
Classification: Pathogenic for Breast-ovarian cancer, familial, susceptibility to, 2. Last evaluated: 2025-01-16. Review status: criteria provided, single submitter. Criteria: Myriad Autosomal Dominant, Autosomal Recessive and X-Linked Classification Criteria (2023). Collection method: clinical testing. Allele origin: unknown.
Comment: This variant is considered pathogenic. This variant creates a termination codon and is predicted to result in premature protein truncation.

BRCAlab, Lund University
Classification: Pathogenic for Breast-ovarian cancer, familial, susceptibility to, 2. Last evaluated: 2020-03-02. Review status: no assertion criteria provided. Collection method: clinical testing. Allele origin: germline. Affected: yes. Not counted in ClinVar's aggregate classification.

Literature cited by the submitters: PubMed 20104584 (cited by Labcorp Genetics (formerly Invitae), Labcorp).